The following is an entry in ClinVar:

ClinVar aggregate classification (germline): Benign/Likely benign. Review status: criteria provided, multiple submitters, no conflicts (2 of 4 stars). 5 submissions from 5 submitters: Benign (1); Likely benign (4). Last evaluated 2025-12-17.

Conditions:
Hereditary cancer-predisposing syndrome. Also called: Neoplastic Syndromes, Hereditary; Tumor predisposition; Hereditary Cancer Syndrome; Hereditary neoplastic syndrome. Identifiers: Orphanet 140162, MedGen C0027672, MeSH D009386, MONDO:0015356.
Breast-ovarian cancer, familial, susceptibility to, 4. Identifiers: Orphanet 145, MedGen C3280345, MONDO:0013669, OMIM 614291.

Allele frequency attached by ClinVar (database versions not stated): gnomAD exomes below 0.00001; TOPMed 0.00001.
gnomAD v4.1: 2 of 1,612,502 alleles (0.00012%); highest among the groups gnomAD compares: Non-Finnish European, 0.00017%; no homozygotes.

Submissions (5):

Labcorp Genetics (formerly Invitae), Labcorp
Classification: Likely benign for Breast-ovarian cancer, familial, susceptibility to, 4. Last evaluated: 2025-12-17. Review status: criteria provided, single submitter. Criteria: Invitae Variant Classification Sherloc (09022015). Collection method: clinical testing. Allele origin: germline.

Myriad Genetics, Inc.
Classification: Benign for Breast-ovarian cancer, familial, susceptibility to, 4. Last evaluated: 2025-02-20. Review status: criteria provided, single submitter. Criteria: Myriad Autosomal Dominant, Autosomal Recessive and X-Linked Classification Criteria (2023). Collection method: clinical testing. Allele origin: unknown.
Comment: This variant is considered benign. This variant is a silent/synonymous amino acid change and it is not expected to impact splicing.

Ambry Genetics
Classification: Likely benign for Hereditary cancer-predisposing syndrome. Last evaluated: 2021-01-20. Review status: criteria provided, single submitter. Criteria: Ambry Variant Classification Scheme 2023. Collection method: clinical testing. Allele origin: germline.

Quest Diagnostics Nichols Institute San Juan Capistrano
Classification: Likely benign. Last evaluated: 2018-05-04. Review status: criteria provided, single submitter. Criteria: Quest Diagnostics criteria. Collection method: clinical testing. Allele origin: germline.

Color Diagnostics, LLC DBA Color Health
Classification: Likely benign for Hereditary cancer-predisposing syndrome. Last evaluated: 2017-09-26. Review status: criteria provided, single submitter. Criteria: ACMG Guidelines, 2015. Collection method: clinical testing. Allele origin: germline.

NM_002878.4(RAD51D):c.66C>T (p.Ser22=)

Genes: RAD51L3-RFFL (RAD51L3-RFFL readthrough; minus strand), RAD51D (RAD51 paralog D; minus strand). Cytogenetic location: 17q12.
Variant type: single nucleotide variant.
Coding change: c.66C>T on transcript NM_002878.4 (MANE Select); coding-DNA position 66, C replaced by T.
Protein change: p.Ser22=; no amino-acid change (serine 22 retained).
Molecular consequence: synonymous variant. On other transcripts: non-coding transcript variant (2).
Genome position (GRCh38, 1-based): chr17:35,119,548, G>A on the plus strand (C>T on the coding strand, the complement: RAD51D is on the minus strand). VCF-style: chr17-35119548-G-A. GRCh37 (hg19) VCF-style: chr17-33446567-G-A.
Other names: c.66C>T, p.Ser22= (NM_001142571.2, NM_133629.3).
Identifiers: ClinVar variation 234177 (VCV000234177.21), dbSNP rs876660902, ClinGen allele CA10580475.